The following is an entry in ClinVar:

NM_001368882.1(COL13A1):c.1303G>A (p.Gly435Arg)

Gene: COL13A1 (collagen type XIII alpha 1 chain; plus strand). Cytogenetic location: 10q22.1.
Variant type: single nucleotide variant.
Coding change: c.1303G>A on transcript NM_001368882.1 (MANE Select); coding-DNA position 1303, G replaced by A.
Protein change: p.Gly435Arg; replaces glycine 435 with arginine.
Molecular consequence: missense variant.
Genome position (GRCh38, 1-based): chr10:69,924,981, G>A. VCF-style: chr10-69924981-G-A. GRCh37 (hg19) VCF-style: chr10-71684737-G-A.
Other names: c.1270G>A, p.Gly424Arg (NM_001130103.2); c.1240G>A, p.Gly414Arg (NM_001320951.2, NM_001368884.1); c.1267G>A, p.Gly423Arg (NM_001368883.1); c.1204G>A, p.Gly402Arg (NM_001368885.1, NM_080801.4, NM_080802.4); c.640G>A, p.Gly214Arg (NM_001368886.1); c.1213G>A, p.Gly405Arg (NM_001368895.1, NM_080800.4); c.1099G>A, p.Gly367Arg (NM_001368896.1, NM_001368898.1, NM_080798.4); c.1126G>A, p.Gly376Arg (NM_001368897.1); and 1 more; short protein forms G423R, G424R, G376R, G435R, G367R, G373R, G405R, G214R.
Identifiers: ClinVar variation 1930743 (VCV001930743.2), dbSNP rs1054218020, ClinGen allele CA209271286.

ClinVar aggregate classification (germline): Uncertain significance (1 of 4 stars; one submission).

Allele frequency attached by ClinVar (database versions not stated): gnomAD exomes below 0.00001.
gnomAD v4.1: 2 of 1,594,022 alleles (0.00013%); highest among the groups gnomAD compares: Non-Finnish European, 0.00017%; no homozygotes.

Submission:

Labcorp Genetics (formerly Invitae), Labcorp
Classification: Uncertain significance. Last evaluated: 2022-07-22. Review status: criteria provided, single submitter. Criteria: Invitae Variant Classification Sherloc (09022015). Collection method: clinical testing. Allele origin: germline.
Comment: This sequence change replaces glycine, which is neutral and non-polar, with arginine, which is basic and polar, at codon 424 of the COL13A1 protein (p.Gly424Arg). This variant is not present in population databases (gnomAD no frequency). This variant has not been reported in the literature in individuals affected with COL13A1-related conditions. Algorithms developed to predict the effect of missense changes on protein structure and function (SIFT, PolyPhen-2, Align-GVGD) all suggest that this variant is likely to be disruptive. Algorithms developed to predict the effect of sequence changes on RNA splicing suggest that this variant may disrupt the consensus splice site. In summary, the available evidence is currently insufficient to determine the role of this variant in disease. Therefore, it has been classified as a Variant of Uncertain Significance.